The following is an entry in ClinVar:

ClinVar aggregate classification (germline): Uncertain significance. Review status: criteria provided, multiple submitters, no conflicts (2 of 4 stars). 3 submissions from 3 submitters: Uncertain significance (3). Last evaluated 2024-11-22.

Conditions:
Multiple endocrine neoplasia, type 1 (MEN1). Also called: MEN I; WERMER SYNDROME; Endocrine adenomatosis multiple; MEN 1; MEA I. Identifiers: Orphanet 652, MedGen C0025267, MeSH D018761, MONDO:0007540, OMIM 131100.
Hereditary cancer-predisposing syndrome. Also called: Neoplastic Syndromes, Hereditary; Hereditary Cancer Syndrome; Hereditary neoplastic syndrome; Tumor predisposition. Identifiers: Orphanet 140162, MedGen C0027672, MeSH D009386, MONDO:0015356.

Allele frequency attached by ClinVar (database versions not stated): TOPMed 0.00003.

Submissions (3):

Labcorp Genetics (formerly Invitae), Labcorp
Classification: Uncertain significance for Multiple endocrine neoplasia, type 1. Last evaluated: 2024-11-22. Review status: criteria provided, single submitter. Criteria: Invitae Variant Classification Sherloc (09022015). Collection method: clinical testing. Allele origin: germline.
Comment: This sequence change replaces aspartic acid, which is acidic and polar, with asparagine, which is neutral and polar, at codon 252 of the MEN1 protein (p.Asp252Asn). This variant is not present in population databases (gnomAD no frequency). This variant has not been reported in the literature in individuals affected with MEN1-related conditions. ClinVar contains an entry for this variant (Variation ID: 827118). Invitae Evidence Modeling of protein sequence and biophysical properties (such as structural, functional, and spatial information, amino acid conservation, physicochemical variation, residue mobility, and thermodynamic stability) indicates that this missense variant is expected to disrupt MEN1 protein function with a positive predictive value of 95%. In summary, the available evidence is currently insufficient to determine the role of this variant in disease. Therefore, it has been classified as a Variant of Uncertain Significance.

Ambry Genetics
Classification: Uncertain significance for Hereditary cancer-predisposing syndrome. Last evaluated: 2024-08-22. Review status: criteria provided, single submitter. Criteria: Ambry Variant Classification Scheme 2023. Collection method: clinical testing. Allele origin: germline.
Comment: The p.D252N variant (also known as c.754G>A), located in coding exon 3 of the MEN1 gene, results from a G to A substitution at nucleotide position 754. The aspartic acid at codon 252 is replaced by asparagine, an amino acid with highly similar properties. This variant has been detected in multiple individuals with no reported features of multiple endocrine neoplasia type 1 (Ambry internal data). This amino acid position is highly conserved in available vertebrate species. In addition, the in silico prediction for this alteration is inconclusive. Based on the available evidence, the clinical significance of this variant remains unclear.

All of Us Research Program, National Institutes of Health
Classification: Uncertain significance for Multiple endocrine neoplasia, type 1. Last evaluated: 2023-08-15. Review status: criteria provided, single submitter. Criteria: ACMG Guidelines, 2015. Collection method: clinical testing. Allele origin: germline. Inheritance: Autosomal dominant inheritance. Observed: 2 variant alleles, 2 heterozygotes.
Comment: This study involves interpretation of variants in research participants for the purpose of population health screening. Participant phenotype was not available at the time of variant classification. Additional details can be found in publication PMID: 35346344, PMCID: PMC8962531

NM_001370259.2(MEN1):c.754G>A (p.Asp252Asn)

Gene: MEN1 (menin 1; minus strand). Cytogenetic location: 11q13.1.
Variant type: single nucleotide variant.
Coding change: c.754G>A on transcript NM_001370259.2 (MANE Select); coding-DNA position 754, G replaced by A.
Protein change: p.Asp252Asn; replaces aspartic acid 252 with asparagine.
Molecular consequence: missense variant.
Genome position (GRCh38, 1-based): chr11:64,807,581, C>T on the plus strand (G>A on the coding strand, the complement: MEN1 is on the minus strand). VCF-style: chr11-64807581-C-T. GRCh37 (hg19) VCF-style: chr11-64575053-C-T.
Other names: c.769G>A, p.Asp257Asn (NM_130803.3, NM_130804.3, NM_000244.4 and 3 more transcripts); c.754G>A, p.Asp252Asn (NM_001370251.2, NM_001370260.2, NM_001370261.2 and 1 more transcripts); c.649G>A, p.Asp217Asn (NM_001370262.2, NM_001370263.2); short protein forms D257N, D217N, D252N.
Identifiers: ClinVar variation 827118 (VCV000827118.13), dbSNP rs770368608, ClinGen allele CA381184274.